The following is an entry in ClinVar:

NM_024675.4(PALB2):c.3191A>G (p.Tyr1064Cys)

Gene: PALB2 (partner and localizer of BRCA2; minus strand). Cytogenetic location: 16p12.2.
Variant type: single nucleotide variant.
Coding change: c.3191A>G on transcript NM_024675.4 (MANE Select); coding-DNA position 3191, A replaced by G.
Protein change: p.Tyr1064Cys; replaces tyrosine 1064 with cysteine.
Molecular consequence: missense variant.
Genome position (GRCh38, 1-based): chr16:23,614,014, T>C on the plus strand (A>G on the coding strand, the complement: PALB2 is on the minus strand). VCF-style: chr16-23614014-T-C. GRCh37 (hg19) VCF-style: chr16-23625335-T-C.
Other names: p.Y1064C:TAT>TGT; short protein forms Y1064C.
Identifiers: ClinVar variation 182773 (VCV000182773.28), dbSNP rs730881893, ClinGen allele CA299747.

ClinVar aggregate classification (germline): Uncertain significance. Review status: criteria provided, multiple submitters, no conflicts (2 of 4 stars). 5 submissions from 5 submitters: Uncertain significance (5). Last evaluated 2025-08-03.

Conditions:
Hereditary cancer-predisposing syndrome. Also called: Tumor predisposition; Hereditary Cancer Syndrome; Hereditary neoplastic syndrome; Neoplastic Syndromes, Hereditary. Identifiers: Orphanet 140162, MedGen C0027672, MeSH D009386, MONDO:0015356.
Familial cancer of breast. Also called: BREAST CANCER, FAMILIAL; Hereditary breast cancer; hereditary breast carcinoma. Identifiers: Orphanet 227535, MedGen C0346153, MONDO:0016419, OMIM 114480. Disease mechanism: loss of function.

Allele frequency attached by ClinVar (database versions not stated): gnomAD below 0.00001 and 0.00001; gnomAD exomes 0.00001.

Submissions (5):

Labcorp Genetics (formerly Invitae), Labcorp
Classification: Uncertain significance for Familial cancer of breast. Last evaluated: 2025-08-03. Review status: criteria provided, single submitter. Criteria: Invitae Variant Classification Sherloc (09022015). Collection method: clinical testing. Allele origin: germline.
Comment: This sequence change replaces tyrosine, which is neutral and polar, with cysteine, which is neutral and slightly polar, at codon 1064 of the PALB2 protein (p.Tyr1064Cys). This variant is present in population databases (rs730881893, gnomAD 0.007%). This missense change has been observed in individual(s) with a personal or family history of breast and/or ovarian cancer and/or prostate cancer (PMID: 26898890, 31214711, 37686625). ClinVar contains an entry for this variant (Variation ID: 182773). Invitae Evidence Modeling of protein sequence and biophysical properties (such as structural, functional, and spatial information, amino acid conservation, physicochemical variation, residue mobility, and thermodynamic stability) indicates that this missense variant is expected to disrupt PALB2 protein function with a positive predictive value of 80%. Experimental studies have shown that this missense change does not substantially affect PALB2 function (PMID: 31636395, 31757951). In summary, the available evidence is currently insufficient to determine the role of this variant in disease. Therefore, it has been classified as a Variant of Uncertain Significance.

Ambry Genetics
Classification: Uncertain significance for Hereditary cancer-predisposing syndrome. Last evaluated: 2024-05-22. Review status: criteria provided, single submitter. Criteria: Ambry Variant Classification Scheme 2023. Collection method: clinical testing. Allele origin: germline.
Comment: The p.Y1064C variant (also known as c.3191A>G), located in coding exon 11 of the PALB2 gene, results from an A to G substitution at nucleotide position 3191. The tyrosine at codon 1064 is replaced by cysteine, an amino acid with highly dissimilar properties. In a homology-directed DNA repair (HDR) assay, this alteration was found to be functionally normal. In a PARP inhibitor sensitivity assay, this alteration was found to be functionally normal. In a RAD51 foci assay this alteration was found to be functionally normal. (Boonen RACM et al. Nat Commun, 2019 11;10:5296). This alteration was found to be functionally inconclusive in a homology-directed DNA repair (HDR) assay (Wiltshire T et al. Genet Med, 2020 03;22:622-632). This amino acid position is highly conserved in available vertebrate species. In addition, the in silico prediction for this alteration is inconclusive. Since supporting evidence is limited at this time, the clinical significance of this alteration remains unclear.

Baylor Genetics
Classification: Uncertain significance for Familial cancer of breast. Last evaluated: 2024-01-26. Review status: criteria provided, single submitter. Criteria: ACMG Guidelines, 2015. Collection method: clinical testing. Allele origin: unknown.

Color Diagnostics, LLC DBA Color Health
Classification: Uncertain significance for Hereditary cancer-predisposing syndrome. Last evaluated: 2023-12-21. Review status: criteria provided, single submitter. Criteria: ACMG Guidelines, 2015. Collection method: clinical testing. Allele origin: germline.
Comment: This missense variant replaces tyrosine with cysteine at codon 1064 of the PALB2 protein. Computational prediction suggests that this variant may not impact protein structure and function. Functional studies reported that this variant does not impact PALB2 in homology-directed DNA repair, cisplatin and PARP inhibitor sensitivity, and cell cycle progression assays (PMID: 31636395, 31757951). This variant has been reported in an individual affected with breast, ovarian, pancreatic or prostate cancer (PMID: 37686625), and in a prostate cancer case-control study in 1/7636 cases and absent in 12366 unaffected individuals (PMID: 31214711) and in a breast cancer case-control meta-analysis in 0/60466 cases and 1/53461 unaffected individuals (PMID: 33471991; Leiden Open Variation Database DB-ID PALB2_010670). This variant has been identified in 3/251170 chromosomes in the general population by the Genome Aggregation Database (gnomAD). The available evidence is insufficient to determine the role of this variant in disease conclusively. Therefore, this variant is classified as a Variant of Uncertain Significance.

GeneDx
Classification: Uncertain significance. Last evaluated: 2023-11-12. Review status: criteria provided, single submitter. Criteria: GeneDx Variant Classification Process June 2021. Collection method: clinical testing. Allele origin: germline. Affected: yes.
Comment: Observed in individuals with a personal and/or family history of breast and ovarian cancer (PMID: 37686625, 26898890); Not observed at significant frequency in large population cohorts (gnomAD); In silico analysis supports that this missense variant has a deleterious effect on protein structure/function; This variant is associated with the following publications: (PMID: 26898890, 24485656, 19609323, 20871615, 31636395, 31757951, 37686625)

Literature cited by the submitters: PubMed 26898890 (cited by Labcorp Genetics (formerly Invitae), Labcorp); PubMed 31214711 (cited by 3 submitters); PubMed 37686625 (cited by 3 submitters); PubMed 31636395 (cited by 3 submitters); PubMed 31757951 (cited by 3 submitters); PubMed 33471991 (cited by Color Diagnostics, LLC DBA Color Health).